The following is an entry in ClinVar:

NM_052867.4(NALCN):c.3270-4G>A

Gene: NALCN (sodium leak channel, non-selective; minus strand). Cytogenetic location: 13q32.3.
Variant type: single nucleotide variant.
Coding change: c.3270-4G>A on transcript NM_052867.4 (MANE Select); 4 bases into the intron before coding-DNA position 3270, G replaced by A.
Molecular consequence: intron variant.
Genome position (GRCh38, 1-based): chr13:101,089,970, C>T on the plus strand (G>A on the coding strand, the complement: NALCN is on the minus strand). VCF-style: chr13-101089970-C-T. GRCh37 (hg19) VCF-style: chr13-101742321-C-T.
Other names: c.3183-4G>A (NM_001350751.2, NM_001350750.2); c.3270-4G>A (NM_001350749.2); c.3357-4G>A (NM_001350748.2).
Identifiers: ClinVar variation 703361 (VCV000703361.42), dbSNP rs199646798, ClinGen allele CA7035440.
Genomic context (GRCh38, chr13:101,089,970, plus strand): 5'-AACAACGCCAGCATAGCGTTTCCCACATTGTCGAAATTAAAGTTCCGAGGATTCGCCCTG[C>T]GATTCCAATACAGGAATGTTCTGTGAAATTCCAATAAGCAGCACCCGAAGGCAAATATCT-3'

ClinVar aggregate classification (germline): Benign/Likely benign. Review status: criteria provided, multiple submitters, no conflicts (2 of 4 stars). 4 submissions from 4 submitters: Benign (1); Likely benign (3). Last evaluated 2026-04-01.

Allele frequency attached by ClinVar (database versions not stated): ESP Exome Variant Server 0.00015; TOPMed 0.00016; gnomAD exomes 0.00052 and 0.00119; gnomAD 0.00107 and 0.00109; ExAC 0.00134.
gnomAD v4.1: 922 of 1,613,716 alleles (0.057%); highest among the groups gnomAD compares: Non-Finnish European, 0.026%; 5 homozygotes.

Submissions (4):

CeGaT Center for Human Genetics Tuebingen
Classification: Likely benign. Last evaluated: 2026-04-01. Review status: criteria provided, single submitter. Criteria: CeGaT Center For Human Genetics Tuebingen Variant Classification Criteria Version 2. Collection method: clinical testing. Allele origin: germline. Affected: yes. Observed: 2 variant alleles.
Comment: NALCN: BP4, BS2

Labcorp Genetics (formerly Invitae), Labcorp
Classification: Benign. Last evaluated: 2026-01-13. Review status: criteria provided, single submitter. Criteria: Invitae Variant Classification Sherloc (09022015). Collection method: clinical testing. Allele origin: germline.

Blueprint Genetics
Classification: Likely benign. Last evaluated: 2024-10-24. Review status: criteria provided, single submitter. Criteria: ACMG Guidelines, 2015. Collection method: clinical testing. Allele origin: germline.

GeneDx
Classification: Likely benign. Last evaluated: 2021-02-25. Review status: criteria provided, single submitter. Criteria: GeneDx Variant Classification Process June 2021. Collection method: clinical testing. Allele origin: germline. Affected: yes.